The following is an entry in ClinVar:

NM_002709.3(PPP1CB):c.714T>G (p.His238Gln)

Gene: PPP1CB (protein phosphatase 1 catalytic subunit beta; plus strand). Cytogenetic location: 2p23.2.
Variant type: single nucleotide variant.
Coding change: c.714T>G on transcript NM_002709.3 (MANE Select); coding-DNA position 714, T replaced by G.
Protein change: p.His238Gln; replaces histidine 238 with glutamine.
Molecular consequence: missense variant.
Genome position (GRCh38, 1-based): chr2:28,788,779, T>G. VCF-style: chr2-28788779-T-G. GRCh37 (hg19) VCF-style: chr2-29011645-T-G.
Other names: c.714T>G, p.His238Gln (NM_206876.2); short protein forms H238Q.
Identifiers: ClinVar variation 4142716 (VCV004142716.1).
Genomic context (GRCh38, chr2:28,788,779, plus strand): 5'-TGATCGTGGTGTTTCCTTTACTTTTGGAGCTGATGTAGTCAGTAAATTTCTGAATCGTCA[T>G]GATTTAGATTTGATTTGTCGAGCTCATCAGGTATGAAATATAAAACTCTTAAGCTTTTTC-3'
Protein context (NP_002700.1, residues 228-248): ADVVSKFLNR[His238Gln]DLDLICRAHQ

ClinVar aggregate classification (germline): Uncertain significance (1 of 4 stars; one submission).

Conditions:
Cardiovascular phenotype. Identifiers: MedGen CN230736.

Submission:

Ambry Genetics
Classification: Uncertain significance for Cardiovascular phenotype. Last evaluated: 2025-08-15. Review status: criteria provided, single submitter. Criteria: Ambry Variant Classification Scheme 2023. Collection method: clinical testing. Allele origin: germline.
Comment: The c.714T>G (p.H238Q) alteration is located in exon 7 (coding exon 6) of the PPP1CB gene. This alteration results from a T to G substitution at nucleotide position 714, causing the histidine (H) at amino acid position 238 to be replaced by a glutamine (Q). This variant was not reported in population-based cohorts in the Genome Aggregation Database (gnomAD). This amino acid position is highly conserved in available vertebrate species. This missense alteration is located in a region that has a low rate of benign missense variation (Lek, 2016; Firth, 2009). The in silico prediction for this alteration is inconclusive. Based on insufficient or conflicting evidence, the clinical significance of this alteration remains unclear.